The following is an entry in ClinVar:

ClinVar aggregate classification (germline): Conflicting classifications of pathogenicity. Review status: criteria provided, conflicting classifications (1 of 4 stars). 12 submissions from 12 submitters: Uncertain significance (2); Likely benign (6). 4 of the submissions do not count toward it. Last evaluated 2026-01-28.

Conditions:
VPS13B-related disorder. Also called: VPS13B-related condition.
Inborn genetic diseases. Identifiers: MedGen C0950123, MeSH D030342.
Cohen syndrome (COH1). Also called: PEPPER SYNDROME; Cutis verticis gyrata, retinitis pigmentosa, and sensorineural deafness. Identifiers: Orphanet 193, MedGen C0265223, MONDO:0008999, OMIM 216550.

Allele frequency attached by ClinVar (database versions not stated): gnomAD exomes 0.00012 and 0.00039; gnomAD 0.00111 and 0.00117; ESP Exome Variant Server 0.00131; ExAC 0.00047; 1000 Genomes Project 0.00200; TOPMed 0.00146; 1000 Genomes Project 30x 0.00234.
gnomAD v4.1: 357 of 1,613,910 alleles (0.022%); highest among the groups gnomAD compares: African/African-American, 0.39%; 2 homozygotes.

Submissions (12):

Labcorp Genetics (formerly Invitae), Labcorp
Classification: Likely benign for Cohen syndrome. Last evaluated: 2026-01-28. Review status: criteria provided, single submitter. Criteria: Invitae Variant Classification Sherloc (09022015). Collection method: clinical testing. Allele origin: germline.

CeGaT Center for Human Genetics Tuebingen
Classification: Likely benign. Last evaluated: 2025-05-01. Review status: criteria provided, single submitter. Criteria: CeGaT Center For Human Genetics Tuebingen Variant Classification Criteria Version 2. Collection method: clinical testing. Allele origin: germline. Affected: yes. Observed: 2 variant alleles.
Comment: VPS13B: BS2

Women's Health and Genetics/Laboratory Corporation of America, LabCorp
Classification: Likely benign. Last evaluated: 2024-09-10. Review status: criteria provided, single submitter. Criteria: LabCorp Variant Classification Summary - May 2015. Collection method: clinical testing. Allele origin: germline.
Comment: Variant summary: VPS13B c.7783G>A (p.Asp2595Asn) results in a conservative amino acid change in the encoded protein sequence. Three of five in-silico tools predict a benign effect of the variant on protein function. The variant allele was found at a frequency of 0.00039 in 250724 control chromosomes, predominantly at a frequency of 0.005 within the African or African-American subpopulation in the gnomAD database. The observed variant frequency within African or African-American control individuals in the gnomAD database is approximately 2 fold of the estimated maximal expected allele frequency for a pathogenic variant in VPS13B causing Cohen Syndrome phenotype (0.0025). To our knowledge, no experimental evidence demonstrating its impact on protein function has been reported. ClinVar contains an entry for this variant (Variation ID: 95868). Based on the evidence outlined above, the variant was classified as likely benign.

Blueprint Genetics
Classification: Likely benign. Last evaluated: 2024-08-13. Review status: criteria provided, single submitter. Criteria: ACMG Guidelines, 2015. Collection method: clinical testing. Allele origin: germline.

Ambry Genetics
Classification: Likely benign for Inborn genetic diseases. Last evaluated: 2018-08-24. Review status: criteria provided, single submitter. Criteria: Ambry Variant Classification Scheme 2023. Collection method: clinical testing. Allele origin: germline.

Illumina Laboratory Services, Illumina
Classification: Likely benign for Cohen syndrome. Last evaluated: 2018-01-12. Review status: criteria provided, single submitter. Criteria: ICSL Variant Classification Criteria 13 December 2019. Collection method: clinical testing. Allele origin: germline.
Comment: This variant was observed in the ICSL laboratory as part of a predisposition screen in an ostensibly healthy population. It had not been previously curated by ICSL or reported in the Human Gene Mutation Database (HGMD: prior to June 1st, 2018), and was therefore a candidate for classification through an automated scoring system. Utilizing variant allele frequency, disease prevalence and penetrance estimates, and inheritance mode, an automated score was calculated to assess if this variant is too frequent to cause the disease. Based on the score and internal cut-off values, a variant classified as likely benign is not then subjected to further curation. The score for this variant resulted in a classification of likely benign for this disease.

GeneDx
Classification: Uncertain significance. Last evaluated: 2016-09-26. Review status: criteria provided, single submitter. Criteria: GeneDx Variant Classification (06012015). Collection method: clinical testing. Allele origin: germline. Affected: yes.
Comment: The D2595N variant has not been published as a pathogenic variant, nor has it been reported as a benign variant to our knowledge. The NHLBI Exome Sequencing Project reports D2595N was observed in 16 of 4406 (0.36%) alleles from individuals of African American background, and the 1000 Genomes Project Consortium reports it was observed in 5 of 198 (2.53%) alleles in an African sub-population. The D2595N variant is a semi-conservative amino acid substitution, which may impact secondary protein structure as these residues differ in some properties. This substitution occurs at a position that is conserved in mammals and in silico analysis predicts this variant is probably damaging to the protein structure/function. Therefore, based on the currently available information, it is unclear whether this variant is pathogenic or a rare benign variant.

Eurofins Ntd Llc (ga)
Classification: Uncertain significance. Last evaluated: 2013-08-28. Review status: criteria provided, single submitter. Criteria: EGL Classification Definitions 2015. Collection method: clinical testing. Allele origin: germline. Observed: 1 variant allele, 1 heterozygote.

Natera, Inc.
Classification: Benign for Cohen syndrome. Last evaluated: 2020-06-07. Review status: no assertion criteria provided. Collection method: clinical testing. Allele origin: germline. Not counted in ClinVar's aggregate classification.

PreventionGenetics, part of Exact Sciences
Classification: Likely benign for VPS13B-related condition. Last evaluated: 2020-02-25. Review status: no assertion criteria provided. Collection method: clinical testing. Allele origin: germline. Not counted in ClinVar's aggregate classification.
Comment: This variant is classified as likely benign based on ACMG/AMP sequence variant interpretation guidelines (Richards et al. 2015 PMID: 25741868, with internal and published modifications).

Counsyl
Classification: Uncertain significance for Cohen syndrome. Last evaluated: 2017-12-28. Review status: no assertion criteria provided. Collection method: clinical testing. Allele origin: unknown. Not counted in ClinVar's aggregate classification.

Biochemical Molecular Genetic Laboratory, King Abdulaziz Medical City
Classification: Likely pathogenic for Cohen syndrome. Last evaluated: 2019-09-26. Review status: flagged submission. Collection method: clinical testing. Allele origin: germline. Affected: yes. Not counted in ClinVar's aggregate classification.
ClinVar note: Reason: Outlier claim with insufficient supporting evidence

NM_152564.5(VPS13B):c.7708G>A (p.Asp2570Asn)

Gene: VPS13B (vacuolar protein sorting 13 homolog B; plus strand). Cytogenetic location: 8q22.2.
Variant type: single nucleotide variant.
Coding change: c.7708G>A on transcript NM_152564.5 (MANE Select); coding-DNA position 7708, G replaced by A.
Protein change: p.Asp2570Asn; replaces aspartic acid 2570 with asparagine.
Molecular consequence: missense variant.
Genome position (GRCh38, 1-based): chr8:99,778,960, G>A. VCF-style: chr8-99778960-G-A. GRCh37 (hg19) VCF-style: chr8-100791188-G-A.
Other names: c.7708G>A (NM_152564.4); c.7783G>A, p.Asp2595Asn (NM_017890.5); short protein forms D2570N.
Identifiers: ClinVar variation 95868 (VCV000095868.51), dbSNP rs140179844, ClinGen allele CA223489.